The following is an entry in ClinVar:

NM_018975.4(TERF2IP):c.92T>A (p.Phe31Tyr)

Gene: TERF2IP (TERF2 interacting protein; plus strand). Cytogenetic location: 16q23.1.
Variant type: single nucleotide variant.
Coding change: c.92T>A on transcript NM_018975.4 (MANE Select); coding-DNA position 92, T replaced by A.
Protein change: p.Phe31Tyr; replaces phenylalanine 31 with tyrosine.
Molecular consequence: missense variant. On other transcripts: non-coding transcript variant (1).
Genome position (GRCh38, 1-based): chr16:75,647,974, T>A. VCF-style: chr16-75647974-T-A. GRCh37 (hg19) VCF-style: chr16-75681872-T-A.
Other names: short protein forms F31Y.
Identifiers: ClinVar variation 2625587 (VCV002625587.2), dbSNP rs2507072418, ClinGen allele CA396817211.

ClinVar aggregate classification (germline): Uncertain significance (1 of 4 stars; one submission).

Submission:

Ambry Genetics
Classification: Uncertain significance. Last evaluated: 2023-07-09. Review status: criteria provided, single submitter. Criteria: Ambry Variant Classification Scheme 2023. Collection method: clinical testing. Allele origin: germline.
Comment: The p.F31Y variant (also known as c.92T>A), located in coding exon 1 of the TERF2IP gene, results from a T to A substitution at nucleotide position 92. The phenylalanine at codon 31 is replaced by tyrosine, an amino acid with highly similar properties. This amino acid position is conserved. In addition, the in silico prediction for this alteration is inconclusive. Since supporting evidence is limited at this time, the clinical significance of this alteration remains unclear.